The following is an entry in ClinVar:

ClinVar aggregate classification (germline): Uncertain significance. Review status: criteria provided, multiple submitters, no conflicts (2 of 4 stars). 2 submissions from 2 submitters: Uncertain significance (2). Last evaluated 2025-07-21.

Conditions:
Long QT syndrome (LQTS). Identifiers: MedGen C0023976, MeSH D008133, MONDO:0002442. Disease mechanism: loss of function. Inheritance: Various modes of inheritance.

Allele frequency attached by ClinVar (database versions not stated): TOPMed below 0.00001; gnomAD 0.00001; ExAC 0.00002.
gnomAD v4.1: 2 of 1,609,738 alleles (0.00012%); highest among the groups gnomAD compares: East Asian, 0.0022%; no homozygotes.

Submissions (2):

Labcorp Genetics (formerly Invitae), Labcorp
Classification: Uncertain significance for Long QT syndrome. Last evaluated: 2025-07-21. Review status: criteria provided, single submitter. Criteria: Invitae Variant Classification Sherloc (09022015). Collection method: clinical testing. Allele origin: germline.
Comment: This sequence change replaces serine, which is neutral and polar, with asparagine, which is neutral and polar, at codon 1079 of the KCNH2 protein (p.Ser1079Asn). This variant is present in population databases (rs767372791, gnomAD 0.006%). This variant has not been reported in the literature in individuals affected with KCNH2-related conditions. ClinVar contains an entry for this variant (Variation ID: 2915457). An algorithm developed to predict the effect of missense changes on protein structure and function (PolyPhen-2) suggests that this variant is likely to be disruptive. In summary, the available evidence is currently insufficient to determine the role of this variant in disease. Therefore, it has been classified as a Variant of Uncertain Significance.

Blueprint Genetics
Classification: Uncertain significance. Last evaluated: 2020-04-20. Review status: criteria provided, single submitter. Criteria: ACMG Guidelines, 2015. Collection method: clinical testing. Allele origin: germline.

NM_000238.4(KCNH2):c.3236G>A (p.Ser1079Asn)

Gene: KCNH2 (potassium voltage-gated channel subfamily H member 2; minus strand). Cytogenetic location: 7q36.1.
Variant type: single nucleotide variant.
Coding change: c.3236G>A on transcript NM_000238.4 (MANE Select); coding-DNA position 3236, G replaced by A.
Protein change: p.Ser1079Asn; replaces serine 1079 with asparagine.
Molecular consequence: missense variant. On other transcripts: non-coding transcript variant (2).
Genome position (GRCh38, 1-based): chr7:150,946,971, C>T on the plus strand (G>A on the coding strand, the complement: KCNH2 is on the minus strand). VCF-style: chr7-150946971-C-T. GRCh37 (hg19) VCF-style: chr7-150644059-C-T.
Other names: c.2948G>A, p.Ser983Asn (NM_001406753.1); c.2216G>A, p.Ser739Asn (NM_172057.3); short protein forms S1079N, S983N, S739N.
Identifiers: ClinVar variation 2915457 (VCV002915457.4), dbSNP rs767372791, ClinGen allele CA038062.